The following is an entry in ClinVar:

NM_004281.4(BAG3):c.244G>C (p.Gly82Arg)

Gene: BAG3 (BAG cochaperone 3; plus strand). Cytogenetic location: 10q26.11.
Variant type: single nucleotide variant.
Coding change: c.244G>C on transcript NM_004281.4 (MANE Select); coding-DNA position 244, G replaced by C.
Protein change: p.Gly82Arg; replaces glycine 82 with arginine.
Molecular consequence: missense variant.
Genome position (GRCh38, 1-based): chr10:119,669,914, G>C. VCF-style: chr10-119669914-G-C. GRCh37 (hg19) VCF-style: chr10-121429426-G-C.
Other names: short protein forms G82R.
Identifiers: ClinVar variation 5032692 (VCV005032692.1).

ClinVar aggregate classification (germline): Uncertain significance (1 of 4 stars; one submission).

Conditions:
Cardiovascular phenotype. Identifiers: MedGen CN230736.

Submission:

Ambry Genetics
Classification: Uncertain significance for Cardiovascular phenotype. Last evaluated: 2026-07-09. Review status: criteria provided, single submitter. Criteria: Ambry Variant Classification Scheme 2023. Collection method: clinical testing. Allele origin: germline.
Comment: The p.G82R variant (also known as c.244G>C), located in coding exon 2 of the BAG3 gene, results from a G to C substitution at nucleotide position 244. The glycine at codon 82 is replaced by arginine, an amino acid with dissimilar properties. This amino acid position is conserved. In addition, the in silico prediction for this alteration is inconclusive. Based on the available evidence, the clinical significance of this variant remains unclear.